The following is an entry in ClinVar:

ClinVar aggregate classification (germline): Uncertain significance (1 of 4 stars; one submission).

gnomAD v4.1: 1 of 1,608,958 alleles (0.000062%); highest among the groups gnomAD compares: South Asian, 0.0011%; no homozygotes.

Submission:

Ambry Genetics
Classification: Uncertain significance. Last evaluated: 2026-04-18. Review status: criteria provided, single submitter. Criteria: Ambry Variant Classification Scheme 2023. Collection method: clinical testing. Allele origin: germline.
Comment: The p.L116V variant (also known as c.346C>G), located in coding exon 1 of the MC1R gene, results from a C to G substitution at nucleotide position 346. The leucine at codon 116 is replaced by valine, an amino acid with highly similar properties. This amino acid position is conserved. In addition, this alteration is predicted to be tolerated by in silico analysis. Based on the available evidence, the clinical significance of this variant remains unclear.

NM_002386.4(MC1R):c.346C>G (p.Leu116Val)

Gene: MC1R (melanocortin 1 receptor; plus strand). Cytogenetic location: 16q24.3.
Variant type: single nucleotide variant.
Coding change: c.346C>G on transcript NM_002386.4 (MANE Select); coding-DNA position 346, C replaced by G.
Protein change: p.Leu116Val; replaces leucine 116 with valine.
Molecular consequence: missense variant.
Genome position (GRCh38, 1-based): chr16:89,919,604, C>G. VCF-style: chr16-89919604-C-G. GRCh37 (hg19) VCF-style: chr16-89986012-C-G.
Other names: short protein forms L116V.
Identifiers: ClinVar variation 4859654 (VCV004859654.1).